The following is an entry in ClinVar:

NM_031206.7(LAS1L):c.740A>G (p.Lys247Arg)

Gene: LAS1L (LAS1 like ribosome biogenesis factor; minus strand). Cytogenetic location: Xq12.
Variant type: single nucleotide variant.
Coding change: c.740A>G on transcript NM_031206.7 (MANE Select); coding-DNA position 740, A replaced by G.
Protein change: p.Lys247Arg; replaces lysine 247 with arginine.
Molecular consequence: missense variant. On other transcripts: 5 prime UTR variant (1), non-coding transcript variant (1).
Genome position (GRCh38, 1-based): chrX:65,529,653, T>C on the plus strand (A>G on the coding strand, the complement: LAS1L is on the minus strand). VCF-style: chrX-65529653-T-C. GRCh37 (hg19) VCF-style: chrX-64749533-T-C.
Other names: c.740A>G, p.Lys247Arg (NM_001170649.2, NM_001375328.1, NM_001375329.1 and 8 more transcripts); c.614A>G, p.Lys205Arg (NM_001170650.2); c.-57A>G (NM_001375332.1); short protein forms K205R, K247R.
Identifiers: ClinVar variation 2580524 (VCV002580524.1), dbSNP rs2522653402, ClinGen allele CA413319531.

ClinVar aggregate classification (germline): Uncertain significance (1 of 4 stars; one submission).

Submission:

GeneDx
Classification: Uncertain significance. Last evaluated: 2023-03-22. Review status: criteria provided, single submitter. Criteria: GeneDx Variant Classification Process June 2021. Collection method: clinical testing. Allele origin: germline. Affected: yes.
Comment: Not observed at significant frequency in large population cohorts (gnomAD); In silico analysis supports that this missense variant does not alter protein structure/function; Has not been previously published as pathogenic or benign to our knowledge